The following is an entry in ClinVar:

NM_207122.2(EXT2):c.511G>A (p.Ala171Thr)

Gene: EXT2 (exostosin glycosyltransferase 2; plus strand). Cytogenetic location: 11p11.2.
Variant type: single nucleotide variant.
Coding change: c.511G>A on transcript NM_207122.2 (MANE Select); coding-DNA position 511, G replaced by A.
Protein change: p.Ala171Thr; replaces alanine 171 with threonine.
Molecular consequence: missense variant.
Genome position (GRCh38, 1-based): chr11:44,108,223, G>A. VCF-style: chr11-44108223-G-A. GRCh37 (hg19) VCF-style: chr11-44129773-G-A.
Other names: c.610G>A, p.Ala204Thr (NM_000401.3); c.511G>A, p.Ala171Thr (NM_001178083.3, NM_001389628.1, NM_001389630.1); short protein forms A171T, A204T.
Identifiers: ClinVar variation 1691517 (VCV001691517.5), dbSNP rs1326355711, ClinGen allele CA380180498.

ClinVar aggregate classification (germline): Uncertain significance. Review status: criteria provided, multiple submitters, no conflicts (2 of 4 stars). 2 submissions from 2 submitters: Uncertain significance (2). Last evaluated 2023-07-27.

Conditions:
Exostoses, multiple, type 2 (EXT2). Also called: Hereditary Multiple Osteochondromatosis, Type II; EXOSTOSES, MULTIPLE, TYPE II. Identifiers: Orphanet 321, MedGen C1851413, MONDO:0007586, OMIM 133701.

Allele frequency attached by ClinVar (database versions not stated): gnomAD exomes below 0.00001; gnomAD 0.00001; TOPMed 0.00001.

Submissions (2):

Baylor Genetics
Classification: Uncertain significance for Exostoses, multiple, type 2. Last evaluated: 2023-07-27. Review status: criteria provided, single submitter. Criteria: ACMG Guidelines, 2015. Collection method: clinical testing. Allele origin: unknown.

St. Jude Molecular Pathology, St. Jude Children's Research Hospital
Classification: Uncertain significance for Exostoses, multiple, type 2. Last evaluated: 2022-01-06. Review status: criteria provided, single submitter. Criteria: St. Jude Assertion Criteria 2020. Collection method: clinical testing. Allele origin: germline.
Comment: The EXT2 c.610G>A (p.Ala204Thr) missense change has a maximum subpopulation frequency of 0.0009% in gnomAD v2.1.1 (PM2_supporting). Six of seven in silico tools predict a deleterious effect of this variant on protein function (PP3), but to our knowledge these predictions have not been confirmed by functional assays. To our knowledge, this variant has not been reported in individuals with hereditary multiple exostoses. In summary, this variant meets criteria to be classified as of uncertain significance based on the ACMG/AMP criteria: PM2_Supporting, PP3.